The following is an entry in ClinVar:

ClinVar aggregate classification (germline): Benign/Likely benign. Review status: criteria provided, multiple submitters, no conflicts (2 of 4 stars). 15 submissions from 14 submitters: Benign (8); Likely benign (3). 4 of the submissions do not count toward it. Last evaluated 2026-09-01.

Conditions:
Wiskott-Aldrich syndrome (WAS). Also called: Wiskott-aldrich syndrome, somatic; ALDRICH SYNDROME; IMMUNODEFICIENCY 2; WISKOTT-ALDRICH SYNDROME 1. Identifiers: Orphanet 906, MedGen C0043194, MONDO:0010518, OMIM 301000.
Werner syndrome (WRN). Identifiers: Orphanet 902, MedGen C0043119, MONDO:0010196, OMIM 277700.
Malignant tumor of breast. Also called: Malignant breast neoplasm; Cancer breast. Identifiers: MedGen C0006142, MONDO:0007254. Disease mechanism: loss of function.

Allele frequency attached by ClinVar (database versions not stated): gnomAD exomes 0.00357 and 0.00333; ExAC 0.00360; gnomAD 0.00245 and 0.00269; TOPMed 0.00294; 1000 Genomes Project 30x 0.00297; 1000 Genomes Project 0.00300; ESP Exome Variant Server 0.00300.
gnomAD v4.1: 5,330 of 1,614,046 alleles (0.33%); highest among the groups gnomAD compares: Middle Eastern, 1.6%; 32 homozygotes.

Submissions (18):

CeGaT Center for Human Genetics Tuebingen
Classification: Likely benign. Last evaluated: 2026-09-01. Review status: criteria provided, single submitter. Criteria: CeGaT Center For Human Genetics Tuebingen Variant Classification Criteria Version 2. Collection method: clinical testing. Allele origin: germline. Affected: yes. Observed: 46 variant alleles.
Comment: WRN: BP4, BS2

Labcorp Genetics (formerly Invitae), Labcorp
Classification: Benign for Werner syndrome. Last evaluated: 2026-02-04. Review status: criteria provided, single submitter. Criteria: Invitae Variant Classification Sherloc (09022015). Collection method: clinical testing. Allele origin: germline.

KCCC/NGS Laboratory, Kuwait Cancer Control Center
Classification: Benign for Werner syndrome. Last evaluated: 2025-02-01. Review status: criteria provided, single submitter. Criteria: ACMG Guidelines, 2015. Collection method: clinical testing. Allele origin: germline. Affected: no.

Mayo Clinic Laboratories, Mayo Clinic
Classification: Benign. Last evaluated: 2025-01-10. Review status: criteria provided, single submitter. Criteria: ACMG Guidelines, 2015. Collection method: clinical testing. Allele origin: germline. Observed: 6 variant alleles.
Comment: BS1, BS2, BP4_moderate

KCCC/NGS Laboratory, Kuwait Cancer Control Center
Classification: Benign for Wiskott-Aldrich syndrome. Last evaluated: 2023-07-07. Review status: criteria provided, single submitter. Criteria: ACMG Guidelines, 2015. Collection method: clinical testing. Allele origin: germline. Affected: yes.

Genome-Nilou Lab
Classification: Benign for Werner syndrome. Last evaluated: 2021-12-05. Review status: criteria provided, single submitter. Criteria: ACMG Guidelines, 2015. Collection method: clinical testing. Allele origin: germline. Affected: no.

Genetic Services Laboratory, University of Chicago
Classification: Benign. Last evaluated: 2021-06-15. Review status: criteria provided, single submitter. Criteria: ACMG Guidelines, 2015. Collection method: clinical testing. Allele origin: germline. Affected: no.

GeneDx
Classification: Benign. Last evaluated: 2020-08-18. Review status: criteria provided, single submitter. Criteria: GeneDx Variant Classification Process June 2021. Collection method: clinical testing. Allele origin: germline. Affected: yes.
Comment: This variant is associated with the following publications: (PMID: 16786514)

Illumina Laboratory Services, Illumina
Classification: Benign for Werner syndrome. Last evaluated: 2017-05-30. Review status: criteria provided, single submitter. Criteria: ICSL Variant Classification Criteria 13 December 2019. Collection method: clinical testing. Allele origin: germline.
Comment: This variant was observed as part of a predisposition screen in an ostensibly healthy population. A literature search was performed for the gene, cDNA change, and amino acid change (where applicable). Publications were found based on this search. The evidence from the literature, in combination with allele frequency data from public databases where available, was sufficient to rule this variant out of causing disease. Therefore, this variant is classified as benign.

Eurofins Ntd Llc (ga)
Classification: Likely benign. Last evaluated: 2014-08-26. Review status: criteria provided, single submitter. Criteria: EGL Classification Definitions 2015. Collection method: clinical testing. Allele origin: germline. Observed: 3 variant alleles, 3 heterozygotes.

Breakthrough Genomics
Classification: Likely benign. Review status: criteria provided, single submitter. Criteria: ACMG Guidelines, 2015. Collection method: not provided. Allele origin: germline. Inheritance: Autosomal recessive inheritance. Affected: yes.

ITMI
No classification provided. Condition: AllHighlyPenetrant. Last evaluated: 2013-09-19. Review status: no classification provided. Collection method: reference population. Allele origin: germline. Not counted in ClinVar's aggregate classification.
Comment: Please see associated publication for description of ethnicities

Center of Medical Genetics and Primary Health Care
Classification: Benign for Breast Cancer. Review status: no assertion criteria provided. Collection method: clinical testing. Allele origin: germline. Affected: yes. Not counted in ClinVar's aggregate classification.

Clinical Genetics DNA and cytogenetics Diagnostics Lab, Erasmus MC, Erasmus Medical Center
Classification: Likely benign. Review status: no assertion criteria provided. Collection method: clinical testing. Allele origin: germline. Affected: yes. Study: VKGL Data-share Consensus. Not counted in ClinVar's aggregate classification.

Dr. Peter K. Rogan Lab, Western University
No classification provided (evidence only). Condition: Thyroid cancer, nonmedullary, 1. Review status: no classification provided. Collection method: in vitro. Allele origin: not applicable. Functional consequence: retained intron. Not counted in ClinVar's aggregate classification.

Dr. Peter K. Rogan Lab, Western University
No classification provided (evidence only). Condition: Hepatocellular carcinoma. Review status: no classification provided. Collection method: in vitro. Allele origin: not applicable. Functional consequence: retained intron. Not counted in ClinVar's aggregate classification.

Dr. Peter K. Rogan Lab, Western University
No classification provided (evidence only). Condition: Thymoma. Review status: no classification provided. Collection method: in vitro. Allele origin: not applicable. Functional consequence: retained intron. Not counted in ClinVar's aggregate classification.

Genome Diagnostics Laboratory, Amsterdam University Medical Center
Classification: Likely benign. Review status: no assertion criteria provided. Collection method: clinical testing. Allele origin: germline. Affected: yes. Study: VKGL Data-share Consensus. Not counted in ClinVar's aggregate classification.

Literature cited by the submitters: PubMed 10069711 (cited by Illumina Laboratory Services, Illumina); PubMed 16786514 (cited by Illumina Laboratory Services, Illumina and Eurofins Ntd Llc (ga)); PubMed 10220139 (cited by Illumina Laboratory Services, Illumina); PubMed 24728327 (cited by ITMI).

NM_000553.6(WRN):c.970A>G (p.Thr324Ala)

Gene: WRN (WRN RecQ like helicase; plus strand). Cytogenetic location: 8p12.
Variant type: single nucleotide variant.
Coding change: c.970A>G on transcript NM_000553.6 (MANE Select); coding-DNA position 970, A replaced by G.
Protein change: p.Thr324Ala; replaces threonine 324 with alanine.
Molecular consequence: missense variant.
Genome position (GRCh38, 1-based): chr8:31,080,997, A>G. VCF-style: chr8-31080997-A-G. GRCh37 (hg19) VCF-style: chr8-30938513-A-G.
Other names: c.970A>G (NM_000553.5); short protein forms T324A.
Identifiers: ClinVar variation 135449 (VCV000135449.54), dbSNP rs1800390, ClinGen allele CA162797.